The following is an entry in ClinVar:

ClinVar aggregate classification (germline): Uncertain significance (1 of 4 stars; one submission).

Submission:

CeGaT Center for Human Genetics Tuebingen
Classification: Uncertain significance. Last evaluated: 2025-10-01. Review status: criteria provided, single submitter. Criteria: CeGaT Center For Human Genetics Tuebingen Variant Classification Criteria Version 2. Collection method: clinical testing. Allele origin: germline. Affected: yes. Observed: 1 variant allele.
Comment: DLG2: PM2

NM_001142699.3(DLG2):c.624+1G>A

Gene: DLG2 (discs large MAGUK scaffold protein 2; minus strand). Cytogenetic location: 11q14.1.
Variant type: single nucleotide variant.
Coding change: c.624+1G>A on transcript NM_001142699.3 (MANE Select); the canonical splice donor site of the intron after coding-DNA position 624, G replaced by A.
Molecular consequence: splice donor variant.
Genome position (GRCh38, 1-based): chr11:84,163,460, C>T on the plus strand (G>A on the coding strand, the complement: DLG2 is on the minus strand). VCF-style: chr11-84163460-C-T. GRCh37 (hg19) VCF-style: chr11-83874503-C-T.
Other names: c.660+1G>A (NM_001351274.2); c.657+1G>A (NM_001351275.2); c.309+1G>A (NM_001300983.1, NM_001377968.1, NM_001364.3); c.366+1G>A (NM_001351276.2); c.183+1G>A (NM_001377973.1); c.426+1G>A (NM_001377971.1, NM_001377970.1, NM_001377967.1 and 3 more transcripts); c.156+1G>A (NM_001142700.2); c.210+1G>A (NM_001377974.1, NM_001377972.1, NM_001377975.1).
Identifiers: ClinVar variation 4533602 (VCV004533602.6).